The following is an entry in ClinVar:

ClinVar aggregate classification (germline): Uncertain significance. Review status: criteria provided, multiple submitters, no conflicts (2 of 4 stars). 3 submissions from 3 submitters: Uncertain significance (3). Last evaluated 2025-03-26.

Conditions:
Xanthinuria type II. Also called: Xanthine dehydrogenase and aldehyde oxidase combined deficiency of; XDH and AOX dual deficiency. Identifiers: Orphanet 3467, Orphanet 93602, MedGen C1863688, MONDO:0011346, OMIM 603592.
Inborn genetic diseases. Identifiers: MedGen C0950123, MeSH D030342.
Hereditary xanthinuria type 1 (XAN1). Identifiers: Orphanet 3467, Orphanet 93601, MedGen C0268118, MONDO:0010209, OMIM 278300.

Allele frequency attached by ClinVar (database versions not stated): gnomAD exomes 0.00001; TOPMed 0.00001; ExAC 0.00002; gnomAD 0.00002.
gnomAD v4.1: 17 of 1,614,098 alleles (0.0011%); highest among the groups gnomAD compares: Admixed American, 0.0017%; no homozygotes.

Submissions (3):

Ambry Genetics
Classification: Uncertain significance for Inborn genetic diseases. Last evaluated: 2025-03-26. Review status: criteria provided, single submitter. Criteria: Ambry Variant Classification Scheme 2023. Collection method: clinical testing. Allele origin: germline.

Fulgent Genetics
Classification: Uncertain significance for Hereditary xanthinuria type 1. Last evaluated: 2024-05-09. Review status: criteria provided, single submitter. Criteria: ACMG Guidelines, 2015. Collection method: clinical testing. Allele origin: germline.

Labcorp Genetics (formerly Invitae), Labcorp
Classification: Uncertain significance for Xanthinuria type II. Last evaluated: 2020-01-10. Review status: criteria provided, single submitter. Criteria: Invitae Variant Classification Sherloc (09022015). Collection method: clinical testing. Allele origin: germline.
Comment: In summary, the available evidence is currently insufficient to determine the role of this variant in disease. Therefore, it has been classified as a Variant of Uncertain Significance. Algorithms developed to predict the effect of missense changes on protein structure and function (SIFT, PolyPhen-2, Align-GVGD) all suggest that this variant is likely to be tolerated, but these predictions have not been confirmed by published functional studies and their clinical significance is uncertain. This variant has not been reported in the literature in individuals with XDH-related conditions. This variant is present in population databases (rs768083545, ExAC 0.01%). This sequence change replaces arginine with cysteine at codon 1280 of the XDH protein (p.Arg1280Cys). The arginine residue is moderately conserved and there is a large physicochemical difference between arginine and cysteine.

NM_000379.4(XDH):c.3838C>T (p.Arg1280Cys)

Gene: XDH (xanthine dehydrogenase; minus strand). Cytogenetic location: 2p23.1.
Variant type: single nucleotide variant.
Coding change: c.3838C>T on transcript NM_000379.4 (MANE Select); coding-DNA position 3838, C replaced by T.
Protein change: p.Arg1280Cys; replaces arginine 1280 with cysteine.
Molecular consequence: missense variant.
Genome position (GRCh38, 1-based): chr2:31,337,754, G>A on the plus strand (C>T on the coding strand, the complement: XDH is on the minus strand). VCF-style: chr2-31337754-G-A. GRCh37 (hg19) VCF-style: chr2-31560620-G-A.
Other names: c.3838C>T (NM_000379.3); short protein forms R1280C.
Identifiers: ClinVar variation 1001982 (VCV001001982.9), dbSNP rs768083545, ClinGen allele CA1598244.